The following is an entry in ClinVar:

ClinVar aggregate classification (germline): Uncertain significance. Review status: criteria provided, single submitter (1 of 4 stars). 2 submissions from 2 submitters: Uncertain significance (1). 1 of the submissions does not count toward it. Last evaluated 2021-10-14.

Conditions:
Alstrom syndrome (ALMS). Identifiers: Orphanet 64, MedGen C0268425, MONDO:0008763, OMIM 203800.

Submissions (2):

Labcorp Genetics (formerly Invitae), Labcorp
Classification: Uncertain significance for Alstrom syndrome. Last evaluated: 2021-10-14. Review status: criteria provided, single submitter. Criteria: Invitae Variant Classification Sherloc (09022015). Collection method: clinical testing. Allele origin: germline.
Comment: In summary, the available evidence is currently insufficient to determine the role of this variant in disease. Therefore, it has been classified as a Variant of Uncertain Significance. Experimental studies and prediction algorithms are not available or were not evaluated, and the functional significance of this variant is currently unknown. This variant has not been reported in the literature in individuals affected with ALMS1-related conditions. This variant is not present in population databases (ExAC no frequency). This sequence change replaces arginine with glycine at codon 1669 of the ALMS1 protein (p.Arg1669Gly). The arginine residue is moderately conserved and there is a moderate physicochemical difference between arginine and glycine.

Natera, Inc.
Classification: Uncertain significance for Alstrom syndrome. Last evaluated: 2025-03-01. Review status: no assertion criteria provided. Collection method: clinical testing. Allele origin: germline. Not counted in ClinVar's aggregate classification.

NM_001378454.1(ALMS1):c.5002A>G (p.Arg1668Gly)

Gene: ALMS1 (ALMS1 centrosome and basal body associated protein; plus strand). Cytogenetic location: 2p13.1.
Variant type: single nucleotide variant.
Coding change: c.5002A>G on transcript NM_001378454.1 (MANE Select); coding-DNA position 5002, A replaced by G.
Protein change: p.Arg1668Gly; replaces arginine 1668 with glycine.
Molecular consequence: missense variant.
Genome position (GRCh38, 1-based): chr2:73,451,529, A>G. VCF-style: chr2-73451529-A-G. GRCh37 (hg19) VCF-style: chr2-73678656-A-G.
Other names: c.5005A>G, p.Arg1669Gly (NM_015120.4); short protein forms R1668G, R1669G.
Identifiers: ClinVar variation 1432031 (VCV001432031.7), dbSNP rs2103784813, ClinGen allele CA347279708.